The following is an entry in ClinVar:

ClinVar aggregate classification (germline): Uncertain significance (1 of 4 stars; one submission).

Conditions:
Brugada syndrome 8 (BRGDA8). Identifiers: Orphanet 130, MedGen C2751083, MONDO:0013148, OMIM 613123.

Submission:

Labcorp Genetics (formerly Invitae), Labcorp
Classification: Uncertain significance for Brugada syndrome 8. Last evaluated: 2019-01-26. Review status: criteria provided, single submitter. Criteria: Invitae Variant Classification Sherloc (09022015). Collection method: clinical testing. Allele origin: germline.
Comment: In summary, the available evidence is currently insufficient to determine the role of this variant in disease. Therefore, it has been classified as a Variant of Uncertain Significance. This variant has not been reported in the literature in individuals with HCN4-related conditions. This variant is not present in population databases (ExAC no frequency). This sequence change replaces tyrosine with serine at codon 397 of the HCN4 protein (p.Tyr397Ser). The tyrosine residue is highly conserved and there is a large physicochemical difference between tyrosine and serine.

NM_005477.3(HCN4):c.1190A>C (p.Tyr397Ser)

Genes: HCN4 (hyperpolarization activated cyclic nucleotide gated potassium channel 4; minus strand), LOC105370890 (uncharacterized LOC105370890; plus strand). Cytogenetic location: 15q24.1.
Variant type: single nucleotide variant.
Coding change: c.1190A>C on transcript NM_005477.3 (MANE Select); coding-DNA position 1190, A replaced by C.
Protein change: p.Tyr397Ser; replaces tyrosine 397 with serine.
Molecular consequence: missense variant.
Genome position (GRCh38, 1-based): chr15:73,343,404, T>G on the plus strand (A>C on the coding strand, the complement: HCN4 is on the minus strand). VCF-style: chr15-73343404-T-G. GRCh37 (hg19) VCF-style: chr15-73635745-T-G.
Other names: short protein forms Y397S.
Identifiers: ClinVar variation 840728 (VCV000840728.10), dbSNP rs2043016094, ClinGen allele CA393094665.